The following is an entry in ClinVar:

NM_001754.5(RUNX1):c.1108G>T (p.Ala370Ser)

Gene: RUNX1 (RUNX family transcription factor 1; minus strand). Cytogenetic location: 21q22.12.
Variant type: single nucleotide variant.
Coding change: c.1108G>T on transcript NM_001754.5 (MANE Select); coding-DNA position 1108, G replaced by T.
Protein change: p.Ala370Ser; replaces alanine 370 with serine.
Molecular consequence: missense variant.
Genome position (GRCh38, 1-based): chr21:34,792,470, C>A on the plus strand (G>T on the coding strand, the complement: RUNX1 is on the minus strand). VCF-style: chr21-34792470-C-A. GRCh37 (hg19) VCF-style: chr21-36164767-C-A.
Other names: NM_001754.5(RUNX1):c.1108G>T; p.Ala370Ser; c.1027G>T, p.Ala343Ser (NM_001001890.3); short protein forms A343S, A370S.
Identifiers: ClinVar variation 3948885 (VCV003948885.2).

ClinVar aggregate classification (germline): Uncertain significance. Review status: reviewed by expert panel (3 of 4 stars). 2 submissions from 2 submitters: Uncertain significance (1). 1 of the submissions does not count toward it. Last evaluated 2026-05-27.

Conditions:
Inborn genetic diseases. Identifiers: MedGen C0950123, MeSH D030342.
Hereditary thrombocytopenia and hematologic cancer predisposition syndrome. Identifiers: Orphanet 71290, MedGen CN281654, MONDO:0011071.

Submissions (2):

ClinGen Myeloid Malignancy Variant Curation Expert Panel
Classification: Uncertain significance for Hereditary thrombocytopenia and hematologic cancer predisposition syndrome. Last evaluated: 2026-05-27. Review status: reviewed by expert panel. Criteria: ClinGen MyeloMalig ACMG Specifications V3.1. Collection method: curation. Allele origin: germline. Inheritance: Autosomal dominant inheritance.
Comment: NM_001754.5(RUNX1):c.1108G>T (p.Ala370Ser) is a missense variant which is completely absent from all population databases with at least 20x coverage for RUNX1 (PM2_Supporting) and has a REVEL score <0.50 (0.40)(BP4). In summary, the clinical significance of this variant is uncertain. ACMG/AMP criteria applied, as specified by the Myeloid Malignancy Variant Curation Expert Panel for RUNX1: PM2_Supporting, BP4.

Ambry Genetics
Classification: Uncertain significance for Inborn genetic diseases. Last evaluated: 2025-05-23. Review status: criteria provided, single submitter. Criteria: Ambry Variant Classification Scheme 2023. Collection method: clinical testing. Allele origin: germline. Not counted in ClinVar's aggregate classification.
Comment: The p.A370S variant (also known as c.1108G>T), located in coding exon 8 of the RUNX1 gene, results from a G to T substitution at nucleotide position 1108. The alanine at codon 370 is replaced by serine, an amino acid with similar properties. This amino acid position is conserved. In addition, the in silico prediction for this alteration is inconclusive. Based on the available evidence, the clinical significance of this variant remains unclear.